The following is an entry in ClinVar:

NM_001849.4(COL6A2):c.1984G>A (p.Val662Met)

Gene: COL6A2 (collagen type VI alpha 2 chain; plus strand). Cytogenetic location: 21q22.3.
Variant type: single nucleotide variant.
Coding change: c.1984G>A on transcript NM_001849.4 (MANE Select); coding-DNA position 1984, G replaced by A.
Protein change: p.Val662Met; replaces valine 662 with methionine.
Molecular consequence: missense variant.
Genome position (GRCh38, 1-based): chr21:46,125,799, G>A. VCF-style: chr21-46125799-G-A. GRCh37 (hg19) VCF-style: chr21-47545713-G-A.
Other names: c.1984G>A, p.Val662Met (NM_058174.3, NM_058175.3); short protein forms V662M.
Identifiers: ClinVar variation 2309095 (VCV002309095.5), dbSNP rs764497780, ClinGen allele CA10072405.
Genomic context (GRCh38, chr21:46,125,799, plus strand): 5'-CAGACCCCGAGGCCTCTGGCAACGACCTCACGCGTGCGGCTTGCAGGGACGCGTGTGGGC[G>A]TGGTGCAGTACAGCCACGAGGGCACCTTTGAGGCCATCCAGCTGGACGACGAACGTATCG-3'
Protein context (NP_001840.3, residues 652-672): PKSETGTRVG[Val662Met]VQYSHEGTFE

ClinVar aggregate classification (germline): Uncertain significance. Review status: criteria provided, multiple submitters, no conflicts (2 of 4 stars). 2 submissions from 2 submitters: Uncertain significance (2). Last evaluated 2025-06-20.

Conditions:
Bethlem myopathy 1A. Also called: Bethlem Muscular Dystrophy; MYOPATHY, BENIGN CONGENITAL, WITH CONTRACTURES; Bethlem myopathy 1. Identifiers: Orphanet 610, MedGen CN029274, MONDO:0024530, OMIM 158810.
Inborn genetic diseases. Identifiers: MedGen C0950123, MeSH D030342.

Allele frequency attached by ClinVar (database versions not stated): ExAC 0.00001; TOPMed 0.00001; gnomAD 0.00002.
gnomAD v4.1: 10 of 1,612,000 alleles (0.00062%); highest among the groups gnomAD compares: Admixed American, 0.0067%; no homozygotes.

Submissions (2):

Labcorp Genetics (formerly Invitae), Labcorp
Classification: Uncertain significance for Bethlem myopathy 1A. Last evaluated: 2025-06-20. Review status: criteria provided, single submitter. Criteria: Invitae Variant Classification Sherloc (09022015). Collection method: clinical testing. Allele origin: germline.
Comment: This sequence change replaces valine, which is neutral and non-polar, with methionine, which is neutral and non-polar, at codon 662 of the COL6A2 protein (p.Val662Met). This variant is present in population databases (rs764497780, gnomAD 0.007%). This variant has not been reported in the literature in individuals affected with COL6A2-related conditions. ClinVar contains an entry for this variant (Variation ID: 2309095). Invitae Evidence Modeling of protein sequence and biophysical properties (such as structural, functional, and spatial information, amino acid conservation, physicochemical variation, residue mobility, and thermodynamic stability) indicates that this missense variant is expected to disrupt COL6A2 protein function with a positive predictive value of 80%. In summary, the available evidence is currently insufficient to determine the role of this variant in disease. Therefore, it has been classified as a Variant of Uncertain Significance.

Ambry Genetics
Classification: Uncertain significance for Inborn genetic diseases. Last evaluated: 2022-08-26. Review status: criteria provided, single submitter. Criteria: Ambry Variant Classification Scheme 2023. Collection method: clinical testing. Allele origin: germline.